The following is an entry in ClinVar:

NM_199242.3(UNC13D):c.1760G>A (p.Arg587His)

Gene: UNC13D (unc-13 homolog D; minus strand). Cytogenetic location: 17q25.1.
Variant type: single nucleotide variant.
Coding change: c.1760G>A on transcript NM_199242.3 (MANE Select); coding-DNA position 1760, G replaced by A.
Protein change: p.Arg587His; replaces arginine 587 with histidine.
Molecular consequence: missense variant.
Genome position (GRCh38, 1-based): chr17:75,835,497, C>T on the plus strand (G>A on the coding strand, the complement: UNC13D is on the minus strand). VCF-style: chr17-75835497-C-T. GRCh37 (hg19) VCF-style: chr17-73831578-C-T.
Other names: short protein forms R587H.
Identifiers: ClinVar variation 962716 (VCV000962716.5), dbSNP rs201600711, ClinGen allele CA8772816.
Genomic context (GRCh38, chr17:75,835,497, plus strand): 5'-CGCGCCAGGGCCTCGTTGTACGTCTTCTGCAGCCAGGAGGGGATGGCCGGCTGGAACCAG[C>T]GGTGGAAATTATCCAGGGCCAGGACTCCATCCCTGGGGATTGCCGGGGCTCAGCGTCGGG-3'
Protein context (NP_954712.1, residues 577-597): DGVLALDNFH[Arg587His]WFQPAIPSWL

ClinVar aggregate classification (germline): Uncertain significance (1 of 4 stars; one submission).

Conditions:
Familial hemophagocytic lymphohistiocytosis 3 (FHL3). Also called: UNC13D-Related Familial Hemophagocytic Lymphohistiocytosis (UNC13D-fHLH). Identifiers: Orphanet 540, MedGen C1837174, MONDO:0012146, OMIM 608898.

Allele frequency attached by ClinVar (database versions not stated): gnomAD 0.00009; TOPMed 0.00010.
gnomAD v4.1: 147 of 1,609,578 alleles (0.0091%); highest among the groups gnomAD compares: Non-Finnish European, 0.011%; no homozygotes.

Submission:

Labcorp Genetics (formerly Invitae), Labcorp
Classification: Uncertain significance for Familial hemophagocytic lymphohistiocytosis 3. Last evaluated: 2022-07-05. Review status: criteria provided, single submitter. Criteria: Invitae Variant Classification Sherloc (09022015). Collection method: clinical testing. Allele origin: germline.
Comment: This sequence change replaces arginine, which is basic and polar, with histidine, which is basic and polar, at codon 587 of the UNC13D protein (p.Arg587His). This variant is present in population databases (rs201600711, gnomAD 0.01%). This missense change has been observed in individual(s) with hemophagocytic lymphohistiocytosis (PMID: 16278825). ClinVar contains an entry for this variant (Variation ID: 962716). Algorithms developed to predict the effect of missense changes on protein structure and function output the following: SIFT: "Not Available"; PolyPhen-2: "Benign"; Align-GVGD: "Not Available". The histidine amino acid residue is found in multiple mammalian species, which suggests that this missense change does not adversely affect protein function. In summary, the available evidence is currently insufficient to determine the role of this variant in disease. Therefore, it has been classified as a Variant of Uncertain Significance.

Literature cited by the submitters: PubMed 16278825.